The following is an entry in ClinVar:

ClinVar aggregate classification (germline): Uncertain significance (1 of 4 stars; one submission).

Submission:

GeneDx
Classification: Uncertain significance. Last evaluated: 2025-03-07. Review status: criteria provided, single submitter. Criteria: GeneDx Variant Classification Process June 2021. Collection method: clinical testing. Allele origin: germline. Affected: yes.
Comment: In silico analysis indicates that this variant does not alter protein structure/function; Has not been previously published as pathogenic or benign to our knowledge

NM_004447.6(EPS8):c.1854_1856delinsCCG (p.Asp619Arg)

Gene: EPS8 (EGFR pathway substrate 8, signaling adaptor; minus strand). Cytogenetic location: 12p12.3.
Variant type: Indel.
Coding change: c.1854_1856delinsCCG on transcript NM_004447.6 (MANE Select); coding-DNA positions 1854 to 1856, TGA replaced by CCG.
Protein change: p.Asp619Arg; replaces aspartic acid 619 with arginine.
Molecular consequence: missense variant.
Genome position (GRCh38, 1-based): chr12:15,631,630-15,631,632, TCA replaced by CGG on the plus strand (TGA replaced by CCG on the coding strand, the reverse complement: EPS8 is on the minus strand). VCF-style: chr12-15631630-TCA-CGG. GRCh37 (hg19) VCF-style: chr12-15784564-TCA-CGG.
Other names: short protein forms D619R.
Identifiers: ClinVar variation 1327676 (VCV001327676.3), dbSNP rs2135731316, ClinGen allele CA2573053640.